The following is an entry in ClinVar:

ClinVar aggregate classification (germline): Uncertain significance (1 of 4 stars; one submission).

Conditions:
Inborn genetic diseases. Identifiers: MedGen C0950123, MeSH D030342.

Allele frequency attached by ClinVar (database versions not stated): TOPMed below 0.00001; gnomAD 0.00001; ExAC 0.00002; ESP Exome Variant Server 0.00008.

Submission:

Ambry Genetics
Classification: Uncertain significance for Inborn genetic diseases. Last evaluated: 2020-12-11. Review status: criteria provided, single submitter. Criteria: Ambry Variant Classification Scheme 2023. Collection method: clinical testing. Allele origin: germline.
Comment: The c.577C>T (p.R193C) alteration is located in exon 1 (coding exon 1) of the PPP1R15B gene. This alteration results from a C to T substitution at nucleotide position 577, causing the arginine (R) at amino acid position 193 to be replaced by a cysteine (C). The p.R193C alteration is predicted to be tolerated by in silico analysis. Based on insufficient or conflicting evidence, the clinical significance of this alteration remains unclear.

NM_032833.5(PPP1R15B):c.577C>T (p.Arg193Cys)

Gene: PPP1R15B (protein phosphatase 1 regulatory subunit 15B; minus strand). Cytogenetic location: 1q32.1.
Variant type: single nucleotide variant.
Coding change: c.577C>T on transcript NM_032833.5 (MANE Select); coding-DNA position 577, C replaced by T.
Protein change: p.Arg193Cys; replaces arginine 193 with cysteine.
Molecular consequence: missense variant.
Genome position (GRCh38, 1-based): chr1:204,410,835, G>A on the plus strand (C>T on the coding strand, the complement: PPP1R15B is on the minus strand). VCF-style: chr1-204410835-G-A. GRCh37 (hg19) VCF-style: chr1-204379963-G-A.
Other names: short protein forms R193C.
Identifiers: ClinVar variation 2359916 (VCV002359916.2), dbSNP rs142382681, ClinGen allele CA1346787.